The following is an entry in ClinVar:

ClinVar aggregate classification (germline): Uncertain significance (1 of 4 stars; one submission).

Conditions:
Inborn genetic diseases. Identifiers: MedGen C0950123, MeSH D030342.

Allele frequency attached by ClinVar (database versions not stated): ExAC 0.00001.
gnomAD v4.1: 3 of 1,614,096 alleles (0.00019%); highest among the groups gnomAD compares: Non-Finnish European, 0.00025%; no homozygotes.

Submission:

Ambry Genetics
Classification: Uncertain significance for Inborn genetic diseases. Last evaluated: 2023-12-31. Review status: criteria provided, single submitter. Criteria: Ambry Variant Classification Scheme 2023. Collection method: clinical testing. Allele origin: germline.
Comment: The p.D487N variant (also known as c.1459G>A), located in coding exon 11 of the EPAS1 gene, results from a G to A substitution at nucleotide position 1459. The aspartic acid at codon 487 is replaced by asparagine, an amino acid with highly similar properties. This amino acid position is conserved. In addition, this alteration is predicted to be tolerated by in silico analysis. Since supporting evidence is limited at this time, the clinical significance of this alteration remains unclear.

NM_001430.5(EPAS1):c.1459G>A (p.Asp487Asn)

Gene: EPAS1 (endothelial PAS domain protein 1; plus strand). Cytogenetic location: 2p21.
Variant type: single nucleotide variant.
Coding change: c.1459G>A on transcript NM_001430.5 (MANE Select); coding-DNA position 1459, G replaced by A.
Protein change: p.Asp487Asn; replaces aspartic acid 487 with asparagine.
Molecular consequence: missense variant.
Genome position (GRCh38, 1-based): chr2:46,378,672, G>A. VCF-style: chr2-46378672-G-A. GRCh37 (hg19) VCF-style: chr2-46605811-G-A.
Other names: short protein forms D487N.
Identifiers: ClinVar variation 1773105 (VCV001773105.2), dbSNP rs774669836, ClinGen allele CA1645006.